The following is an entry in ClinVar:

ClinVar aggregate classification (germline): Uncertain significance. Review status: criteria provided, multiple submitters, no conflicts (2 of 4 stars). 2 submissions from 2 submitters: Uncertain significance (2). Last evaluated 2026-09-24.

Conditions:
GJA1-related disorder. Also called: GJA1-related condition.
Oculodentodigital dysplasia, autosomal recessive. Also called: OCULODENTOOSSEOUS DYSPLASIA, AUTOSOMAL RECESSIVE; ODDD, AUTOSOMAL RECESSIVE; ODOD, AUTOSOMAL RECESSIVE. Identifiers: Orphanet 2710, MedGen C2749477, MONDO:0009768, OMIM 257850.

gnomAD v4.1: 34 of 1,613,852 alleles (0.0021%); highest among the groups gnomAD compares: Non-Finnish European, 0.0026%; no homozygotes.

Submissions (2):

PreventionGenetics, part of Exact Sciences
Classification: Uncertain significance for GJA1-related condition. Last evaluated: 2026-09-24. Review status: criteria provided, single submitter. Criteria: ACMG Guidelines, 2015. Collection method: clinical testing. Allele origin: germline.
Comment: The GJA1 c.895C>A variant is predicted to result in the amino acid substitution p.Arg299Ser. To our knowledge, this variant has not been reported in the literature. This variant is reported in 0.0031% of alleles in individuals of European (Non-Finnish) descent in gnomAD. At this time, the clinical significance of this variant is uncertain due to the absence of conclusive functional and genetic evidence.

Labcorp Genetics (formerly Invitae), Labcorp
Classification: Uncertain significance for Oculodentodigital dysplasia, autosomal recessive. Last evaluated: 2025-03-17. Review status: criteria provided, single submitter. Criteria: Invitae Variant Classification Sherloc (09022015). Collection method: clinical testing. Allele origin: germline.
Comment: This sequence change replaces arginine, which is basic and polar, with serine, which is neutral and polar, at codon 299 of the GJA1 protein (p.Arg299Ser). This variant is present in population databases (rs748954821, gnomAD 0.003%). This variant has not been reported in the literature in individuals affected with GJA1-related conditions. ClinVar contains an entry for this variant (Variation ID: 1411369). Invitae Evidence Modeling of protein sequence and biophysical properties (such as structural, functional, and spatial information, amino acid conservation, physicochemical variation, residue mobility, and thermodynamic stability) has been performed for this missense variant. However, the output from this modeling did not meet the statistical confidence thresholds required to predict the impact of this variant on GJA1 protein function. In summary, the available evidence is currently insufficient to determine the role of this variant in disease. Therefore, it has been classified as a Variant of Uncertain Significance.

NM_000165.5(GJA1):c.895C>A (p.Arg299Ser)

Gene: GJA1 (gap junction protein alpha 1; plus strand). Cytogenetic location: 6q22.31.
Variant type: single nucleotide variant.
Coding change: c.895C>A on transcript NM_000165.5 (MANE Select); coding-DNA position 895, C replaced by A.
Protein change: p.Arg299Ser; replaces arginine 299 with serine.
Molecular consequence: missense variant.
Genome position (GRCh38, 1-based): chr6:121,447,742, C>A. VCF-style: chr6-121447742-C-A. GRCh37 (hg19) VCF-style: chr6-121768888-C-A.
Other names: c.895C>A (NM_000165.4); short protein forms R299S.
Identifiers: ClinVar variation 1411369 (VCV001411369.9), dbSNP rs748954821, ClinGen allele CA3981778.